The following is an entry in ClinVar:

ClinVar aggregate classification (germline): Uncertain significance (1 of 4 stars; one submission).

Conditions:
Charcot-Marie-Tooth disease axonal type 2C (HMSN2C). Also called: Charcot-Marie-Tooth Disease Type 2, TRPV4-Related (CMT2C); CHARCOT-MARIE-TOOTH DISEASE, AXONAL, AUTOSOMAL DOMINANT, TYPE 2C; Charcot-Marie-Tooth Neuropathy Type 2C. Identifiers: Orphanet 99937, MedGen C1853710, MONDO:0011633, OMIM 606071.

Submission:

Labcorp Genetics (formerly Invitae), Labcorp
Classification: Uncertain significance for Charcot-Marie-Tooth disease axonal type 2C. Last evaluated: 2018-10-23. Review status: criteria provided, single submitter. Criteria: Invitae Variant Classification Sherloc (09022015). Collection method: clinical testing. Allele origin: germline.
Comment: This variant is not present in population databases (ExAC no frequency). This sequence change replaces lysine with threonine at codon 276 of the TRPV4 protein (p.Lys276Thr). The lysine residue is moderately conserved and there is a moderate physicochemical difference between lysine and threonine. This variant has not been reported in the literature in individuals with TRPV4-related disease. In summary, the available evidence is currently insufficient to determine the role of this variant in disease. Therefore, it has been classified as a Variant of Uncertain Significance. This variant disrupts the p.Lys276 amino acid residue in TRPV4. Other variant(s) that disrupt this residue have been observed in affected individuals (PMID:21964829), which suggests that this may be a clinically significant amino acid residue. Algorithms developed to predict the effect of missense changes on protein structure and function are either unavailable or do not agree on the potential impact of this missense change (SIFT: "Deleterious"; PolyPhen-2: "Benign"; Align-GVGD: "Class C0").

Literature cited by the submitters: PubMed 21964829.

NM_021625.5(TRPV4):c.827A>C (p.Lys276Thr)

Gene: TRPV4 (transient receptor potential cation channel subfamily V member 4; minus strand). Cytogenetic location: 12q24.11.
Variant type: single nucleotide variant.
Coding change: c.827A>C on transcript NM_021625.5 (MANE Select); coding-DNA position 827, A replaced by C.
Protein change: p.Lys276Thr; replaces lysine 276 with threonine.
Molecular consequence: missense variant. On other transcripts: intron variant (2).
Genome position (GRCh38, 1-based): chr12:109,800,644, T>G on the plus strand (A>C on the coding strand, the complement: TRPV4 is on the minus strand). VCF-style: chr12-109800644-T-G. GRCh37 (hg19) VCF-style: chr12-110238449-T-G.
Other names: c.725A>C, p.Lys242Thr (NM_001177431.2); c.827A>C, p.Lys276Thr (NM_147204.3); c.713-1732A>C (NM_001177433.1, NM_001177428.1); short protein forms K242T, K276T.
Identifiers: ClinVar variation 651460 (VCV000651460.8), dbSNP rs1592842115, ClinGen allele CA386655282.
Genomic context (GRCh38, chr12:109,800,644, plus strand): 5'-GCATGCTGTCAGCCCCCACCAGGCCCCTCCTTACCAAAGTAGAAGTAGCCCCCCTCATCC[T>G]TGGGCTGGAAGAAGCGCCCACGGGCCTGGGCGTGGACATCAGCTCCCTGGGCCACGAGAA-3'
Protein context (NP_067638.3, residues 266-286): AQARGRFFQP[Lys276Thr]DEGGYFYFGE